The following is an entry in ClinVar:

NM_001394998.1(TANC2):c.538C>G (p.Gln180Glu)

Gene: TANC2 (tetratricopeptide repeat, ankyrin repeat and coiled-coil containing 2; plus strand). Cytogenetic location: 17q23.3.
Variant type: single nucleotide variant.
Coding change: c.538C>G on transcript NM_001394998.1 (MANE Select); coding-DNA position 538, C replaced by G.
Protein change: p.Gln180Glu; replaces glutamine 180 with glutamic acid.
Molecular consequence: missense variant.
Genome position (GRCh38, 1-based): chr17:63,194,095, C>G. VCF-style: chr17-63194095-C-G. GRCh37 (hg19) VCF-style: chr17-61271456-C-G.
Other names: c.316C>G, p.Gln106Glu (NM_001411076.1, NM_025185.4); short protein forms Q106E, Q180E.
Identifiers: ClinVar variation 2335937 (VCV002335937.3), dbSNP rs2041268237, ClinGen allele CA400793246.

ClinVar aggregate classification (germline): Uncertain significance (1 of 4 stars; one submission).

Conditions:
Inborn genetic diseases. Identifiers: MedGen C0950123, MeSH D030342.

Allele frequency attached by ClinVar (database versions not stated): gnomAD exomes below 0.00001; TOPMed below 0.00001.
gnomAD v4.1: 2 of 1,613,406 alleles (0.00012%); highest among the groups gnomAD compares: Non-Finnish European, 0.00017%; no homozygotes.

Submission:

Ambry Genetics
Classification: Uncertain significance for Inborn genetic diseases. Last evaluated: 2023-04-20. Review status: criteria provided, single submitter. Criteria: Ambry Variant Classification Scheme 2023. Collection method: clinical testing. Allele origin: germline.
Comment: The c.316C>G (p.Q106E) alteration is located in exon 4 (coding exon 4) of the TANC2 gene. This alteration results from a C to G substitution at nucleotide position 316, causing the glutamine (Q) at amino acid position 106 to be replaced by a glutamic acid (E). This variant was not reported in population-based cohorts in the Genome Aggregation Database (gnomAD). This amino acid position is not well conserved in available vertebrate species. This alteration is predicted to be tolerated by in silico analysis. Based on insufficient or conflicting evidence, the clinical significance of this alteration remains unclear.